The following is an entry in ClinVar:

NM_001999.4(FBN2):c.7168G>A (p.Val2390Ile)

Gene: FBN2 (fibrillin 2; minus strand). Cytogenetic location: 5q23.3.
Variant type: single nucleotide variant.
Coding change: c.7168G>A on transcript NM_001999.4 (MANE Select); coding-DNA position 7168, G replaced by A.
Protein change: p.Val2390Ile; replaces valine 2390 with isoleucine.
Molecular consequence: missense variant.
Genome position (GRCh38, 1-based): chr5:128,278,812, C>T on the plus strand (G>A on the coding strand, the complement: FBN2 is on the minus strand). VCF-style: chr5-128278812-C-T. GRCh37 (hg19) VCF-style: chr5-127614504-C-T.
Other names: short protein forms V2390I.
Identifiers: ClinVar variation 1376580 (VCV001376580.6), dbSNP rs768193630, ClinGen allele CA3394187.

ClinVar aggregate classification (germline): Uncertain significance (1 of 4 stars; one submission).

Conditions:
Congenital contractural arachnodactyly (CCA). Also called: Beals-Hecht syndrome; Arthrogryposis, distal, type 9; BEALS SYNDROME. Identifiers: Orphanet 115, MedGen C0220668, MONDO:0007363, OMIM 121050.

Allele frequency attached by ClinVar (database versions not stated): TOPMed below 0.00001.
gnomAD v4.1: 16 of 1,613,820 alleles (0.00099%); highest among the groups gnomAD compares: Non-Finnish European, 0.0012%; no homozygotes.

Submission:

Labcorp Genetics (formerly Invitae), Labcorp
Classification: Uncertain significance for Congenital contractural arachnodactyly. Last evaluated: 2025-02-16. Review status: criteria provided, single submitter. Criteria: Invitae Variant Classification Sherloc (09022015). Collection method: clinical testing. Allele origin: germline.
Comment: This sequence change replaces valine, which is neutral and non-polar, with isoleucine, which is neutral and non-polar, at codon 2390 of the FBN2 protein (p.Val2390Ile). This variant is present in population databases (rs768193630, gnomAD 0.002%). This variant has not been reported in the literature in individuals affected with FBN2-related conditions. ClinVar contains an entry for this variant (Variation ID: 1376580). Invitae Evidence Modeling of protein sequence and biophysical properties (such as structural, functional, and spatial information, amino acid conservation, physicochemical variation, residue mobility, and thermodynamic stability) indicates that this missense variant is not expected to disrupt FBN2 protein function with a negative predictive value of 80%. In summary, the available evidence is currently insufficient to determine the role of this variant in disease. Therefore, it has been classified as a Variant of Uncertain Significance.